The following is an entry in ClinVar:

NM_005751.5(AKAP9):c.718A>G (p.Ile240Val)

Gene: AKAP9 (A-kinase anchoring protein 9; plus strand). Cytogenetic location: 7q21.2.
Variant type: single nucleotide variant.
Coding change: c.718A>G on transcript NM_005751.5 (MANE Select); coding-DNA position 718, A replaced by G.
Protein change: p.Ile240Val; replaces isoleucine 240 with valine.
Molecular consequence: missense variant.
Genome position (GRCh38, 1-based): chr7:91,994,762, A>G. VCF-style: chr7-91994762-A-G. GRCh37 (hg19) VCF-style: chr7-91624076-A-G.
Other names: c.718A>G, p.Ile240Val (NM_147185.3); short protein forms I240V.
Identifiers: ClinVar variation 4845175 (VCV004845175.1).
Genomic context (GRCh38, chr7:91,994,762, plus strand): 5'-GAAAAGGATGAGACAATGAGAGAATTTTTAGAGTTGACAGAACAGAGTCAAAAATTACAG[A>G]TTCAATTTCAGCAAGTAAGTATTACTAATGCAACAAAATTCATTATTTTTTTAGTAATGA-3'
Protein context (NP_005742.4, residues 230-250): ELTEQSQKLQ[Ile240Val]QFQQLQASET

ClinVar aggregate classification (germline): Uncertain significance (1 of 4 stars; one submission).

Conditions:
Cardiovascular phenotype. Identifiers: MedGen CN230736.

Submission:

Ambry Genetics
Classification: Uncertain significance for Cardiovascular phenotype. Last evaluated: 2026-02-14. Review status: criteria provided, single submitter. Criteria: Ambry Variant Classification Scheme 2023. Collection method: clinical testing. Allele origin: germline.
Comment: The p.I240V variant (also known as c.718A>G), located in coding exon 6 of the AKAP9 gene, results from an A to G substitution at nucleotide position 718. The isoleucine at codon 240 is replaced by valine, an amino acid with highly similar properties. This amino acid position is conserved. In addition, this alteration is predicted to be tolerated by in silico analysis. Based on the available evidence, the clinical significance of this variant remains unclear.